The following is an entry in ClinVar:

ClinVar aggregate classification (germline): Uncertain significance. Review status: criteria provided, multiple submitters, no conflicts (2 of 4 stars). 5 submissions from 5 submitters: Uncertain significance (5). Last evaluated 2025-12-07.

Conditions:
Familial adenomatous polyposis 1 (FAP1). Also called: FAMILIAL ADENOMATOUS POLYPOSIS 1, ATTENUATED; POLYPOSIS, ADENOMATOUS INTESTINAL. Identifiers: MedGen C2713442, MONDO:0021056, OMIM 175100. Disease mechanism: loss of function.
Classic or attenuated familial adenomatous polyposis. Identifiers: MedGen CN372698, MONDO:0021057.
Hereditary cancer-predisposing syndrome. Also called: Hereditary neoplastic syndrome; Tumor predisposition; Neoplastic Syndromes, Hereditary; Hereditary Cancer Syndrome. Identifiers: Orphanet 140162, MedGen C0027672, MeSH D009386, MONDO:0015356.

Allele frequency attached by ClinVar (database versions not stated): gnomAD exomes below 0.00001.
gnomAD v4.1: 3 of 1,612,794 alleles (0.00019%); highest among the groups gnomAD compares: Non-Finnish European, 0.000085%; no homozygotes.

Submissions (5):

Ambry Genetics
Classification: Uncertain significance for Hereditary cancer-predisposing syndrome. Last evaluated: 2025-12-07. Review status: criteria provided, single submitter. Criteria: Ambry Variant Classification Scheme 2023. Collection method: clinical testing. Allele origin: germline.
Comment: The p.V2194I variant (also known as c.6580G>A), located in coding exon 15 of the APC gene, results from a G to A substitution at nucleotide position 6580. The valine at codon 2194 is replaced by isoleucine, an amino acid with highly similar properties. This amino acid position is highly conserved in available vertebrate species. In addition, in silico predictors for this gene do not accurately predict pathogenicity. Since supporting evidence is limited at this time, the clinical significance of this alteration remains unclear.

CeGaT Center for Human Genetics Tuebingen
Classification: Uncertain significance. Last evaluated: 2025-04-01. Review status: criteria provided, single submitter. Criteria: CeGaT Center For Human Genetics Tuebingen Variant Classification Criteria Version 2. Collection method: clinical testing. Allele origin: germline. Affected: yes. Observed: 1 variant allele.
Comment: APC: PM2, BP1

Labcorp Genetics (formerly Invitae), Labcorp
Classification: Uncertain significance for Familial adenomatous polyposis 1. Last evaluated: 2023-10-27. Review status: criteria provided, single submitter. Criteria: Invitae Variant Classification Sherloc (09022015). Collection method: clinical testing. Allele origin: germline.
Comment: This sequence change replaces valine, which is neutral and non-polar, with isoleucine, which is neutral and non-polar, at codon 2194 of the APC protein (p.Val2194Ile). This variant is not present in population databases (gnomAD no frequency). This variant has not been reported in the literature in individuals affected with APC-related conditions. ClinVar contains an entry for this variant (Variation ID: 482433). Advanced modeling of protein sequence and biophysical properties (such as structural, functional, and spatial information, amino acid conservation, physicochemical variation, residue mobility, and thermodynamic stability) performed at Invitae indicates that this missense variant is not expected to disrupt APC protein function with a negative predictive value of 95%. In summary, the available evidence is currently insufficient to determine the role of this variant in disease. Therefore, it has been classified as a Variant of Uncertain Significance.

All of Us Research Program, National Institutes of Health
Classification: Uncertain significance for Classic or attenuated familial adenomatous polyposis. Last evaluated: 2023-06-27. Review status: criteria provided, single submitter. Criteria: ACMG Guidelines, 2015. Collection method: clinical testing. Allele origin: germline. Inheritance: Autosomal dominant inheritance. Observed: 1 variant allele, 1 heterozygote.
Comment: This study involves interpretation of variants in research participants for the purpose of population health screening. Participant phenotype was not available at the time of variant classification. Additional details can be found in publication PMID: 35346344, PMCID: PMC8962531

Mendelics
Classification: Uncertain significance. Last evaluated: 2022-05-04. Review status: criteria provided, single submitter. Criteria: Mendelics Assertion Criteria 2019. Collection method: clinical testing. Allele origin: germline.

NM_000038.6(APC):c.6580G>A (p.Val2194Ile)

Gene: APC (APC regulator of Wnt signaling pathway; plus strand). Cytogenetic location: 5q22.2.
Variant type: single nucleotide variant.
Coding change: c.6580G>A on transcript NM_000038.6 (MANE Select); coding-DNA position 6580, G replaced by A.
Protein change: p.Val2194Ile; replaces valine 2194 with isoleucine.
Molecular consequence: missense variant.
Genome position (GRCh38, 1-based): chr5:112,842,174, G>A. VCF-style: chr5-112842174-G-A. GRCh37 (hg19) VCF-style: chr5-112177871-G-A.
Other names: c.6580G>A, p.Val2194Ile (NM_001127510.3, NM_001354895.2); c.6526G>A, p.Val2176Ile (NM_001127511.3); c.6634G>A, p.Val2212Ile (NM_001354896.2); c.6610G>A, p.Val2204Ile (NM_001354897.2); c.6505G>A, p.Val2169Ile (NM_001354898.2); c.6496G>A, p.Val2166Ile (NM_001354899.2); c.6457G>A, p.Val2153Ile (NM_001354900.2); c.6403G>A, p.Val2135Ile (NM_001354901.2); and 5 more; short protein forms V2176I, V2194I, V2153I, V2034I, V2093I, V2103I, V2212I, V2135I.
Identifiers: ClinVar variation 482433 (VCV000482433.17), dbSNP rs1554087547, ClinGen allele CA16035727.